The following is an entry in ClinVar:

ClinVar aggregate classification (germline): Uncertain significance. Review status: criteria provided, multiple submitters, no conflicts (2 of 4 stars). 2 submissions from 2 submitters: Uncertain significance (2). Last evaluated 2025-08-31.

Conditions:
Primary familial hypertrophic cardiomyopathy (HCM). Identifiers: Orphanet 99739, MedGen C0949658, MeSH D024741, MONDO:0024573. Inheritance: Various modes of inheritance.

Allele frequency attached by ClinVar (database versions not stated): gnomAD exomes 0.00001; TOPMed 0.00001; ExAC 0.00002; gnomAD 0.00003.

Submissions (2):

Ambry Genetics
Classification: Uncertain significance. Last evaluated: 2025-08-31. Review status: criteria provided, single submitter. Criteria: Ambry Variant Classification Scheme 2023. Collection method: clinical testing. Allele origin: germline.

Labcorp Genetics (formerly Invitae), Labcorp
Classification: Uncertain significance for Primary familial hypertrophic cardiomyopathy. Last evaluated: 2022-06-13. Review status: criteria provided, single submitter. Criteria: Invitae Variant Classification Sherloc (09022015). Collection method: clinical testing. Allele origin: germline.
Comment: In summary, the available evidence is currently insufficient to determine the role of this variant in disease. Therefore, it has been classified as a Variant of Uncertain Significance. Algorithms developed to predict the effect of missense changes on protein structure and function are either unavailable or do not agree on the potential impact of this missense change (SIFT: "Deleterious"; PolyPhen-2: "Benign"; Align-GVGD: "Class C0"). This variant has not been reported in the literature in individuals affected with ILK-related conditions. This variant is present in population databases (rs745314579, gnomAD 0.02%). This sequence change replaces arginine, which is basic and polar, with glutamine, which is neutral and polar, at codon 410 of the ILK protein (p.Arg410Gln).

NM_004517.4(ILK):c.1229G>A (p.Arg410Gln)

Genes: TAF10 (TATA-box binding protein associated factor 10; minus strand), ILK (integrin linked kinase; plus strand). Cytogenetic location: 11p15.4.
Variant type: single nucleotide variant.
Coding change: c.1229G>A on transcript NM_004517.4 (MANE Select); coding-DNA position 1229, G replaced by A.
Protein change: p.Arg410Gln; replaces arginine 410 with glutamine.
Molecular consequence: missense variant. On other transcripts: 3 prime UTR variant (1).
Genome position (GRCh38, 1-based): chr11:6,610,481, G>A. VCF-style: chr11-6610481-G-A. GRCh37 (hg19) VCF-style: chr11-6631712-G-A.
Other names: c.1229G>A, p.Arg410Gln (NM_001014794.3, NM_001014795.3); c.1046G>A, p.Arg349Gln (NM_001278441.2); c.827G>A, p.Arg276Gln (NM_001278442.2); c.*441C>T (NM_006284.4); short protein forms R276Q, R349Q, R410Q.
Identifiers: ClinVar variation 2190128 (VCV002190128.5), dbSNP rs745314579, ClinGen allele CA5858342.